The following is an entry in ClinVar:

NM_000051.4(ATM):c.403G>A (p.Ala135Thr)

Gene: ATM (ATM serine/threonine kinase; plus strand). Cytogenetic location: 11q22.3.
Variant type: single nucleotide variant.
Coding change: c.403G>A on transcript NM_000051.4 (MANE Select); coding-DNA position 403, G replaced by A.
Protein change: p.Ala135Thr; replaces alanine 135 with threonine.
Molecular consequence: missense variant.
Genome position (GRCh38, 1-based): chr11:108,235,741, G>A. VCF-style: chr11-108235741-G-A. GRCh37 (hg19) VCF-style: chr11-108106468-G-A.
Other names: c.403G>A, p.Ala135Thr (NM_001351834.2); short protein forms A135T.
Identifiers: ClinVar variation 489545 (VCV000489545.28), dbSNP rs1272089657, ClinGen allele CA382524972.

ClinVar aggregate classification (germline): Uncertain significance. Review status: criteria provided, multiple submitters, no conflicts (2 of 4 stars). 8 submissions from 8 submitters: Uncertain significance (7). 1 of the submissions does not count toward it. Last evaluated 2025-12-15.

Conditions:
Ataxia-telangiectasia syndrome (AT). Also called: Ataxia telangiectasia (A-T); Ataxia-telangiectasia; LOUIS-BAR SYNDROME; Ataxia-telangiectasia, complementation group D; AT, COMPLEMENTATION GROUP C; ATAXIA-TELANGIECTASIA, COMPLEMENTATION GROUP A. Identifiers: Orphanet 100, MedGen C0004135, MONDO:0008840, OMIM 208900.
Hereditary cancer-predisposing syndrome. Also called: Tumor predisposition; Hereditary neoplastic syndrome; Neoplastic Syndromes, Hereditary; Hereditary Cancer Syndrome. Identifiers: Orphanet 140162, MedGen C0027672, MeSH D009386, MONDO:0015356.
ATM-related cancer predisposition. Also called: ATM-related cancer susceptibility. Identifiers: MedGen CN377759, MONDO:0700270.

Allele frequency attached by ClinVar (database versions not stated): gnomAD exomes below 0.00001.
gnomAD v4.1: 1 of 1,612,532 alleles (0.000062%); highest among the groups gnomAD compares: Non-Finnish European, 0.000085%; no homozygotes.

Submissions (8):

Labcorp Genetics (formerly Invitae), Labcorp
Classification: Uncertain significance for Ataxia-telangiectasia syndrome. Last evaluated: 2025-12-15. Review status: criteria provided, single submitter. Criteria: Invitae Variant Classification Sherloc (09022015). Collection method: clinical testing. Allele origin: germline.
Comment: This sequence change replaces alanine, which is neutral and non-polar, with threonine, which is neutral and polar, at codon 135 of the ATM protein (p.Ala135Thr). This variant is not present in population databases (gnomAD no frequency). This variant has not been reported in the literature in individuals affected with ATM-related conditions. ClinVar contains an entry for this variant (Variation ID: 489545). Invitae Evidence Modeling of protein sequence and biophysical properties (such as structural, functional, and spatial information, amino acid conservation, physicochemical variation, residue mobility, and thermodynamic stability) indicates that this missense variant is not expected to disrupt ATM protein function with a negative predictive value of 95%. In summary, the available evidence is currently insufficient to determine the role of this variant in disease. Therefore, it has been classified as a Variant of Uncertain Significance.

Dasa
Classification: Uncertain significance for ATM-related cancer predisposition. Last evaluated: 2025-12-01. Review status: criteria provided, single submitter. Criteria: DASA Assertion Criteria. Collection method: clinical testing. Allele origin: germline.
Comment: NM_000051.4(ATM):c.403G>A (p.Ala135Thr) is a missense variant that results in the substitution of alanine with threonine. This variant is rare in population databases. Computational prediction algorithms are consistent with a benign effect. The currently available literature and clinical evidence are not sufficient to establish a definitive association between this variant and the reported condition. Therefore, this variant is classified as a variant of uncertain significance.

GeneDx
Classification: Uncertain significance. Last evaluated: 2025-05-12. Review status: criteria provided, single submitter. Criteria: GeneDx Variant Classification Process June 2021. Collection method: clinical testing. Allele origin: germline. Affected: yes.
Comment: Not observed at significant frequency in large population cohorts (gnomAD); In silico analysis suggests that this missense variant does not alter protein structure/function; Has not been previously published as pathogenic or benign to our knowledge

Color Diagnostics, LLC DBA Color Health
Classification: Uncertain significance for Hereditary cancer-predisposing syndrome. Last evaluated: 2024-03-06. Review status: criteria provided, single submitter. Criteria: ACMG Guidelines, 2015. Collection method: clinical testing. Allele origin: germline.
Comment: This missense variant replaces alanine with threonine at codon 135 of the ATM protein. Computational prediction suggests that this variant may not impact protein structure and function (internally defined REVEL score threshold <= 0.5, PMID: 27666373). To our knowledge, functional studies have not been reported for this variant. This variant has not been reported in individuals affected with ATM-related disorders in the literature. This variant has not been identified in the general population by the Genome Aggregation Database (gnomAD). The available evidence is insufficient to determine the role of this variant in disease conclusively. Therefore, this variant is classified as a Variant of Uncertain Significance.

Ambry Genetics
Classification: Uncertain significance for Hereditary cancer-predisposing syndrome. Last evaluated: 2023-02-28. Review status: criteria provided, single submitter. Criteria: Ambry Variant Classification Scheme 2023. Collection method: clinical testing. Allele origin: germline.
Comment: The p.A135T variant (also known as c.403G>A), located in coding exon 4 of the ATM gene, results from a G to A substitution at nucleotide position 403. The alanine at codon 135 is replaced by threonine, an amino acid with similar properties. This amino acid position is poorly conserved in available vertebrate species. In addition, this alteration is predicted to be tolerated by in silico analysis. Since supporting evidence is limited at this time, the clinical significance of this alteration remains unclear.

Sema4
Classification: Uncertain significance for Hereditary cancer-predisposing syndrome. Last evaluated: 2022-01-02. Review status: criteria provided, single submitter. Criteria: Sema4 Curation Guidelines. Collection method: curation. Allele origin: germline.
Comment: The ATM c.403G>A (p.A135T) variant has not been reported in the literature to our knowledge. This variant has not been reported in the large and broad cohorts of the Genome Aggregation Database (PMID: 32461654). This variant has been reported in ClinVar (Variation ID: 489545). In silico tools suggest the impact of the variant on protein function is benign, though these predictions have not been confirmed by functional studies. The evidence is insufficient to meet ACMG/AMP criteria for classifying the variant as benign or pathogenic. Thus, the clinical significance of this variant is currently uncertain.

Mendelics
Classification: Uncertain significance for Ataxia-telangiectasia syndrome. Last evaluated: 2019-05-28. Review status: criteria provided, single submitter. Criteria: Mendelics Assertion Criteria 2017. Collection method: clinical testing. Allele origin: unknown.

Natera, Inc.
Classification: Uncertain significance for Ataxia-telangiectasia. Last evaluated: 2020-09-01. Review status: no assertion criteria provided. Collection method: clinical testing. Allele origin: germline. Not counted in ClinVar's aggregate classification.